The following is an entry in ClinVar:

NM_007118.4(TRIO):c.5638C>T (p.Leu1880Phe)

Gene: TRIO (trio Rho guanine nucleotide exchange factor; plus strand). Cytogenetic location: 5p15.2.
Variant type: single nucleotide variant.
Coding change: c.5638C>T on transcript NM_007118.4 (MANE Select); coding-DNA position 5638, C replaced by T.
Protein change: p.Leu1880Phe; replaces leucine 1880 with phenylalanine.
Molecular consequence: missense variant. On other transcripts: non-coding transcript variant (1).
Genome position (GRCh38, 1-based): chr5:14,462,896, C>T. VCF-style: chr5-14462896-C-T. GRCh37 (hg19) VCF-style: chr5-14463005-C-T.
Other names: short protein forms L1880F.
Identifiers: ClinVar variation 2637726 (VCV002637726.2), dbSNP rs760914653, ClinGen allele CA3206788.

ClinVar aggregate classification (germline): Uncertain significance (1 of 4 stars; one submission).

Allele frequency attached by ClinVar (database versions not stated): TOPMed below 0.00001.

Submission:

Women's Health and Genetics/Laboratory Corporation of America, LabCorp
Classification: Uncertain significance. Last evaluated: 2025-01-02. Review status: criteria provided, single submitter. Criteria: LabCorp Variant Classification Summary - May 2015. Collection method: clinical testing. Allele origin: germline.
Comment: Variant summary: TRIO c.5638C>T (p.Leu1880Phe) results in a non-conservative amino acid change in the encoded protein sequence. Three of five in-silico tools predict a damaging effect of the variant on protein function. The variant allele was found at a frequency of 4.2e-06 in 237990 control chromosomes. The available data on variant occurrences in the general population are insufficient to allow any conclusion about variant significance. To our knowledge, no occurrence of c.5638C>T in individuals affected with TRIO-Related Intellectual Disability and no experimental evidence demonstrating its impact on protein function have been reported. ClinVar contains an entry for this variant (Variation ID: 2637726). Based on the evidence outlined above, the variant was classified as uncertain significance.